The following is an entry in ClinVar:

ClinVar aggregate classification (germline): Uncertain significance. Review status: criteria provided, multiple submitters, no conflicts (2 of 4 stars). 2 submissions from 2 submitters: Uncertain significance (2). Last evaluated 2023-12-12.

Conditions:
Inborn genetic diseases. Identifiers: MedGen C0950123, MeSH D030342.

Allele frequency attached by ClinVar (database versions not stated): gnomAD exomes below 0.00001; TOPMed below 0.00001; gnomAD 0.00001.
gnomAD v4.1: 10 of 1,555,118 alleles (0.00064%); highest among the groups gnomAD compares: South Asian, 0.0035%; no homozygotes.

Submissions (2):

Ambry Genetics
Classification: Uncertain significance for Inborn genetic diseases. Last evaluated: 2023-12-12. Review status: criteria provided, single submitter. Criteria: Ambry Variant Classification Scheme 2023. Collection method: clinical testing. Allele origin: germline.

Labcorp Genetics (formerly Invitae), Labcorp
Classification: Uncertain significance. Last evaluated: 2022-04-17. Review status: criteria provided, single submitter. Criteria: Invitae Variant Classification Sherloc (09022015). Collection method: clinical testing. Allele origin: germline.
Comment: This sequence change replaces asparagine, which is neutral and polar, with serine, which is neutral and polar, at codon 417 of the LAMA5 protein (p.Asn417Ser). This variant is not present in population databases (gnomAD no frequency). Algorithms developed to predict the effect of missense changes on protein structure and function are either unavailable or do not agree on the potential impact of this missense change (SIFT: "Tolerated"; PolyPhen-2: "Possibly Damaging"; Align-GVGD: "Class C0"). Algorithms developed to predict the effect of sequence changes on RNA splicing suggest that this variant may create or strengthen a splice site. In summary, the available evidence is currently insufficient to determine the role of this variant in disease. Therefore, it has been classified as a Variant of Uncertain Significance. This variant has not been reported in the literature in individuals affected with LAMA5-related conditions.

NM_005560.6(LAMA5):c.1250A>G (p.Asn417Ser)

Gene: LAMA5 (laminin subunit alpha 5; minus strand). Cytogenetic location: 20q13.33.
Variant type: single nucleotide variant.
Coding change: c.1250A>G on transcript NM_005560.6 (MANE Select); coding-DNA position 1250, A replaced by G.
Protein change: p.Asn417Ser; replaces asparagine 417 with serine.
Molecular consequence: missense variant.
Genome position (GRCh38, 1-based): chr20:62,346,538, T>C on the plus strand (A>G on the coding strand, the complement: LAMA5 is on the minus strand). VCF-style: chr20-62346538-T-C. GRCh37 (hg19) VCF-style: chr20-60921594-T-C.
Other names: c.1250A>G (NM_005560.3); short protein forms N417S.
Identifiers: ClinVar variation 2192647 (VCV002192647.5), dbSNP rs898874025, ClinGen allele CA317279082.